The following is an entry in ClinVar:

ClinVar aggregate classification (germline): Uncertain significance (1 of 4 stars; one submission).

Submission:

Labcorp Genetics (formerly Invitae), Labcorp
Classification: Uncertain significance. Last evaluated: 2023-04-19. Review status: criteria provided, single submitter. Criteria: Invitae Variant Classification Sherloc (09022015). Collection method: clinical testing. Allele origin: germline.
Comment: In summary, the available evidence is currently insufficient to determine the role of this variant in disease. Therefore, it has been classified as a Variant of Uncertain Significance. An algorithm developed to predict the effect of missense changes on protein structure and function (PolyPhen-2) suggests that this variant is likely to be tolerated. This variant has not been reported in the literature in individuals affected with CDH2-related conditions. This variant is not present in population databases (gnomAD no frequency). This sequence change replaces glutamic acid, which is acidic and polar, with aspartic acid, which is acidic and polar, at codon 266 of the CDH2 protein (p.Glu266Asp).

NM_001792.5(CDH2):c.798G>C (p.Glu266Asp)

Gene: CDH2 (cadherin 2; minus strand). Cytogenetic location: 18q12.1.
Variant type: single nucleotide variant.
Coding change: c.798G>C on transcript NM_001792.5 (MANE Select); coding-DNA position 798, G replaced by C.
Protein change: p.Glu266Asp; replaces glutamic acid 266 with aspartic acid.
Molecular consequence: missense variant.
Genome position (GRCh38, 1-based): chr18:28,005,898, C>G on the plus strand (G>C on the coding strand, the complement: CDH2 is on the minus strand). VCF-style: chr18-28005898-C-G. GRCh37 (hg19) VCF-style: chr18-25585862-C-G.
Other names: c.705G>C, p.Glu235Asp (NM_001308176.2); short protein forms E235D, E266D.
Identifiers: ClinVar variation 2857530 (VCV002857530.3), dbSNP rs2510810912, ClinGen allele CA402243154.